The following is an entry in ClinVar:

NM_015602.4(TOR1AIP1):c.700A>G (p.Thr234Ala)

Gene: TOR1AIP1 (torsin 1A interacting protein 1; plus strand). Cytogenetic location: 1q25.2.
Variant type: single nucleotide variant.
Coding change: c.700A>G on transcript NM_015602.4 (MANE Select); coding-DNA position 700, A replaced by G.
Protein change: p.Thr234Ala; replaces threonine 234 with alanine.
Molecular consequence: missense variant.
Genome position (GRCh38, 1-based): chr1:179,901,349, A>G. VCF-style: chr1-179901349-A-G. GRCh37 (hg19) VCF-style: chr1-179870484-A-G.
Other names: c.703A>G, p.Thr235Ala (NM_001267578.2); short protein forms T234A, T235A.
Identifiers: ClinVar variation 1419600 (VCV001419600.6), dbSNP rs2148477026, ClinGen allele CA343566299.
Genomic context (GRCh38, chr1:179,901,349, plus strand): 5'-TACTTCTCTTTAGGAGAAACTGAAGAAGATGATCAAGACAGCTCTCACAGCAGTGTCACT[A>G]CTGTTAAGGCCAGATCCAGGGATTCTGATGAATCTGGAGGTAATATTGCTTTATATACAT-3'
Protein context (NP_056417.2, residues 224-244): DQDSSHSSVT[Thr234Ala]VKARSRDSDE

ClinVar aggregate classification (germline): Uncertain significance (1 of 4 stars; one submission).

Conditions:
Autosomal recessive limb-girdle muscular dystrophy type 2Y (MRRSDC). Also called: Muscular dystrophy, limb-girdle, type 2y; Muscular dystrophy, autosomal recessive, with rigid spine and distal joint contractures. Identifiers: Orphanet 424261, MedGen C4511482, MONDO:0014900, OMIM 617072.

gnomAD v4.1: 2 of 1,610,894 alleles (0.00012%); highest among the groups gnomAD compares: Non-Finnish European, 0.000085%; no homozygotes.

Submission:

Labcorp Genetics (formerly Invitae), Labcorp
Classification: Uncertain significance for Autosomal recessive limb-girdle muscular dystrophy type 2Y. Last evaluated: 2022-02-02. Review status: criteria provided, single submitter. Criteria: Invitae Variant Classification Sherloc (09022015). Collection method: clinical testing. Allele origin: germline.
Comment: In summary, the available evidence is currently insufficient to determine the role of this variant in disease. Therefore, it has been classified as a Variant of Uncertain Significance. Algorithms developed to predict the effect of missense changes on protein structure and function output the following: SIFT: "Tolerated"; PolyPhen-2: "Benign"; Align-GVGD: "Class C0". The alanine amino acid residue is found in multiple mammalian species, which suggests that this missense change does not adversely affect protein function. This variant has not been reported in the literature in individuals affected with TOR1AIP1-related conditions. This variant is not present in population databases (gnomAD no frequency). This sequence change replaces threonine, which is neutral and polar, with alanine, which is neutral and non-polar, at codon 235 of the TOR1AIP1 protein (p.Thr235Ala).